The following is an entry in ClinVar:

NM_000180.4(GUCY2D):c.1274G>C (p.Gly425Ala)

Gene: GUCY2D (guanylate cyclase 2D, retinal; plus strand). Cytogenetic location: 17p13.1.
Variant type: single nucleotide variant.
Coding change: c.1274G>C on transcript NM_000180.4 (MANE Select); coding-DNA position 1274, G replaced by C.
Protein change: p.Gly425Ala; replaces glycine 425 with alanine.
Molecular consequence: missense variant.
Genome position (GRCh38, 1-based): chr17:8,006,610, G>C. VCF-style: chr17-8006610-G-C. GRCh37 (hg19) VCF-style: chr17-7909928-G-C.
Other names: c.1274G>C (NM_000180.3); short protein forms G425A.
Identifiers: ClinVar variation 1019443 (VCV001019443.8), dbSNP rs375468242, ClinGen allele CA8365696.

ClinVar aggregate classification (germline): Uncertain significance. Review status: criteria provided, multiple submitters, no conflicts (2 of 4 stars). 3 submissions from 3 submitters: Uncertain significance (3). Last evaluated 2025-02-04.

Conditions:
Cone-rod dystrophy 6 (CORD6). Also called: RETINAL CONE DYSTROPHY 2; Cone dystrophy progressive. Identifiers: Orphanet 1872, MedGen C1866293, MONDO:0011143, OMIM 601777.
Leber congenital amaurosis 1 (LCA1). Also called: Congenital absence of the rods and cones; Leber's congenital tapetoretinal degeneration; Leber's congenital tapetoretinal dysplasia; RETINAL BLINDNESS, CONGENITAL; AMAUROSIS CONGENITA OF LEBER I. Identifiers: Orphanet 65, MedGen C2931258, MONDO:0008764, OMIM 204000.
Inborn genetic diseases. Identifiers: MedGen C0950123, MeSH D030342.

Allele frequency attached by ClinVar (database versions not stated): gnomAD 0.00003 and 0.00004; gnomAD exomes 0.00006; TOPMed 0.00006; ESP Exome Variant Server 0.00008; ExAC 0.00010.
gnomAD v4.1: 118 of 1,612,956 alleles (0.0073%); highest among the groups gnomAD compares: Non-Finnish European, 0.0096%; no homozygotes.

Submissions (3):

Labcorp Genetics (formerly Invitae), Labcorp
Classification: Uncertain significance for Leber congenital amaurosis 1; Cone-rod dystrophy 6. Last evaluated: 2025-02-04. Review status: criteria provided, single submitter. Criteria: Invitae Variant Classification Sherloc (09022015). Collection method: clinical testing. Allele origin: germline.
Comment: This sequence change replaces glycine, which is neutral and non-polar, with alanine, which is neutral and non-polar, at codon 425 of the GUCY2D protein (p.Gly425Ala). This variant is present in population databases (rs375468242, gnomAD 0.01%). This variant has not been reported in the literature in individuals affected with GUCY2D-related conditions. ClinVar contains an entry for this variant (Variation ID: 1019443). Invitae Evidence Modeling of protein sequence and biophysical properties (such as structural, functional, and spatial information, amino acid conservation, physicochemical variation, residue mobility, and thermodynamic stability) indicates that this missense variant is not expected to disrupt GUCY2D protein function with a negative predictive value of 80%. In summary, the available evidence is currently insufficient to determine the role of this variant in disease. Therefore, it has been classified as a Variant of Uncertain Significance.

Blueprint Genetics
Classification: Uncertain significance. Last evaluated: 2024-07-12. Review status: criteria provided, single submitter. Criteria: ACMG Guidelines, 2015. Collection method: clinical testing. Allele origin: germline.

Ambry Genetics
Classification: Uncertain significance for Inborn genetic diseases. Last evaluated: 2024-06-10. Review status: criteria provided, single submitter. Criteria: Ambry Variant Classification Scheme 2023. Collection method: clinical testing. Allele origin: germline.